The following is an entry in ClinVar:

ClinVar aggregate classification (germline): Uncertain significance (1 of 4 stars; one submission).

Conditions:
Ehlers-Danlos syndrome, dermatosparaxis type. Also called: Ehlers-Danlos syndrome, type VII, autosomal recessive; Dermatosparaxis; EDS VIIC. Identifiers: Orphanet 1901, MedGen C2700425, MONDO:0009161, OMIM 225410.

Allele frequency attached by ClinVar (database versions not stated): gnomAD 0.00001; gnomAD exomes 0.00001.
gnomAD v4.1: 20 of 1,614,022 alleles (0.0012%); highest among the groups gnomAD compares: East Asian, 0.0045%; no homozygotes.

Submission:

Labcorp Genetics (formerly Invitae), Labcorp
Classification: Uncertain significance for Ehlers-Danlos syndrome, dermatosparaxis type. Last evaluated: 2022-05-28. Review status: criteria provided, single submitter. Criteria: Invitae Variant Classification Sherloc (09022015). Collection method: clinical testing. Allele origin: germline.
Comment: This sequence change replaces arginine, which is basic and polar, with glutamine, which is neutral and polar, at codon 731 of the ADAMTS2 protein (p.Arg731Gln). This variant is present in population databases (no rsID available, gnomAD 0.003%). This variant has not been reported in the literature in individuals affected with ADAMTS2-related conditions. Algorithms developed to predict the effect of missense changes on protein structure and function (SIFT, PolyPhen-2, Align-GVGD) all suggest that this variant is likely to be disruptive. Algorithms developed to predict the effect of sequence changes on RNA splicing suggest that this variant may create or strengthen a splice site. In summary, the available evidence is currently insufficient to determine the role of this variant in disease. Therefore, it has been classified as a Variant of Uncertain Significance.

NM_014244.5(ADAMTS2):c.2192G>A (p.Arg731Gln)

Gene: ADAMTS2 (ADAM metallopeptidase with thrombospondin type 1 motif 2; minus strand). Cytogenetic location: 5q35.3.
Variant type: single nucleotide variant.
Coding change: c.2192G>A on transcript NM_014244.5 (MANE Select); coding-DNA position 2192, G replaced by A.
Protein change: p.Arg731Gln; replaces arginine 731 with glutamine.
Molecular consequence: missense variant.
Genome position (GRCh38, 1-based): chr5:179,132,794, C>T on the plus strand (G>A on the coding strand, the complement: ADAMTS2 is on the minus strand). VCF-style: chr5-179132794-C-T. GRCh37 (hg19) VCF-style: chr5-178559795-C-T.
Other names: short protein forms R731Q.
Identifiers: ClinVar variation 1983190 (VCV001983190.1), dbSNP rs1198528313, ClinGen allele CA362425104.